The following is an entry in ClinVar:

NM_005219.5(DIAPH1):c.2017A>G (p.Thr673Ala)

Gene: DIAPH1 (diaphanous related formin 1; minus strand). Cytogenetic location: 5q31.3.
Variant type: single nucleotide variant.
Coding change: c.2017A>G on transcript NM_005219.5 (MANE Select); coding-DNA position 2017, A replaced by G.
Protein change: p.Thr673Ala; replaces threonine 673 with alanine.
Molecular consequence: missense variant.
Genome position (GRCh38, 1-based): chr5:141,573,833, T>C on the plus strand (A>G on the coding strand, the complement: DIAPH1 is on the minus strand). VCF-style: chr5-141573833-T-C. GRCh37 (hg19) VCF-style: chr5-140953400-T-C.
Other names: c.1990A>G, p.Thr664Ala (NM_001079812.3); c.2017A>G, p.Thr673Ala (NM_001314007.2); c.2017A>G (NM_005219.4); short protein forms T664A, T673A.
Identifiers: ClinVar variation 2149064 (VCV002149064.5), dbSNP rs1429162380, ClinGen allele CA361519103.

ClinVar aggregate classification (germline): Uncertain significance. Review status: criteria provided, multiple submitters, no conflicts (2 of 4 stars). 2 submissions from 2 submitters: Uncertain significance (2). Last evaluated 2026-02-14.

Conditions:
DIAPH1-related disorder. Also called: DIAPH1-related condition.
Autosomal dominant nonsyndromic hearing loss 1. Also called: KONIGSMARK SYNDROME; DEAFNESS, AUTOSOMAL DOMINANT 1, WITH OR WITHOUT THROMBOCYTOPENIA. Identifiers: Orphanet 90635, MedGen C1852282, MONDO:0007424, OMIM 124900.
Progressive microcephaly-seizures-cortical blindness-developmental delay syndrome. Also called: Seizures, cortical blindness, and microcephaly syndrome. Identifiers: Orphanet 477814, MedGen C5567650, MONDO:0014714, OMIM 616632.

Allele frequency attached by ClinVar (database versions not stated): gnomAD 0.00001; gnomAD exomes 0.00001.
gnomAD v4.1: 8 of 1,502,130 alleles (0.00053%); highest among the groups gnomAD compares: Non-Finnish European, 0.00071%; no homozygotes.

Submissions (2):

PreventionGenetics, part of Exact Sciences
Classification: Uncertain significance for DIAPH1-related condition. Last evaluated: 2026-02-14. Review status: criteria provided, single submitter. Criteria: ACMG Guidelines, 2015. Collection method: clinical testing. Allele origin: germline.
Comment: The DIAPH1 c.2017A>G variant is predicted to result in the amino acid substitution p.Thr673Ala. To our knowledge, this variant has not been reported in the literature. This variant is reported in 0.0018% of alleles in individuals of European (Non-Finnish) descent in gnomAD. At this time, the clinical significance of this variant is uncertain due to the absence of conclusive functional and genetic evidence.

Labcorp Genetics (formerly Invitae), Labcorp
Classification: Uncertain significance for Progressive microcephaly-seizures-cortical blindness-developmental delay syndrome; Autosomal dominant nonsyndromic hearing loss 1. Last evaluated: 2024-01-15. Review status: criteria provided, single submitter. Criteria: Invitae Variant Classification Sherloc (09022015). Collection method: clinical testing. Allele origin: germline.
Comment: This sequence change replaces threonine, which is neutral and polar, with alanine, which is neutral and non-polar, at codon 673 of the DIAPH1 protein (p.Thr673Ala). The frequency data for this variant in the population databases is considered unreliable, as metrics indicate poor data quality at this position in the gnomAD database. This variant has not been reported in the literature in individuals affected with DIAPH1-related conditions. ClinVar contains an entry for this variant (Variation ID: 2149064). Algorithms developed to predict the effect of missense changes on protein structure and function output the following: SIFT: "Not Available"; PolyPhen-2: "Not Available"; Align-GVGD: "Not Available". The alanine amino acid residue is found in multiple mammalian species, which suggests that this missense change does not adversely affect protein function. In summary, the available evidence is currently insufficient to determine the role of this variant in disease. Therefore, it has been classified as a Variant of Uncertain Significance.